The following is an entry in ClinVar:

ClinVar aggregate classification (germline): Uncertain significance. Review status: criteria provided, multiple submitters, no conflicts (2 of 4 stars). 8 submissions from 8 submitters: Uncertain significance (8). Last evaluated 2026-04-29.

Conditions:
KCNH2-related disorder. Also called: KCNH2-related disorders; KCNH2-related condition.
Cardiovascular phenotype. Identifiers: MedGen CN230736.
Cardiac arrhythmia. Also called: Arrhythmia; Cardiac rhythm disease. Identifiers: MedGen C0003811, MONDO:0007263, HP:0011675.
Sudden unexplained death. Identifiers: MedGen C0520806.
Long QT syndrome (LQTS). Identifiers: MedGen C0023976, MeSH D008133, MONDO:0002442. Disease mechanism: loss of function. Inheritance: Various modes of inheritance.

Allele frequency attached by ClinVar (database versions not stated): TOPMed 0.00004; 1000 Genomes Project 30x 0.00016.
gnomAD v4.1: 35 of 1,532,872 alleles (0.0023%); highest among the groups gnomAD compares: Admixed American, 0.0059%; 1 homozygote.

Submissions (8):

PreventionGenetics, part of Exact Sciences
Classification: Uncertain significance for KCNH2-related condition. Last evaluated: 2026-04-29. Review status: criteria provided, single submitter. Criteria: ACMG Guidelines, 2015. Collection method: clinical testing. Allele origin: germline.
Comment: The KCNH2 c.2774G>T variant is predicted to result in the amino acid substitution p.Gly925Val. This variant has been reported as a variant of uncertain significance in an individual with a possible arrhythmogenic cardiomyopathy and sudden cardiac death; however, this individual also carried a FLNC frameshift variant which could explain the clinical features (Hespe et al. 2023. PubMed ID: 38116480). This variant is reported in 0.0083% of alleles in individuals of Latino descent in gnomAD. At this time, the clinical significance of this variant is uncertain due to the absence of conclusive functional and genetic evidence.

Labcorp Genetics (formerly Invitae), Labcorp
Classification: Uncertain significance for Long QT syndrome. Last evaluated: 2025-09-20. Review status: criteria provided, single submitter. Criteria: Invitae Variant Classification Sherloc (09022015). Collection method: clinical testing. Allele origin: germline.
Comment: This sequence change replaces glycine, which is neutral and non-polar, with valine, which is neutral and non-polar, at codon 925 of the KCNH2 protein (p.Gly925Val). The frequency data for this variant in the population databases is considered unreliable, as metrics indicate poor data quality at this position in the gnomAD database. This variant has not been reported in the literature in individuals affected with KCNH2-related conditions. ClinVar contains an entry for this variant (Variation ID: 200497). An algorithm developed to predict the effect of missense changes on protein structure and function (PolyPhen-2) suggests that this variant is likely to be tolerated. In summary, the available evidence is currently insufficient to determine the role of this variant in disease. Therefore, it has been classified as a Variant of Uncertain Significance.

GeneDx
Classification: Uncertain significance. Last evaluated: 2025-06-17. Review status: criteria provided, single submitter. Criteria: GeneDx Variant Classification Process June 2021. Collection method: clinical testing. Allele origin: germline. Affected: yes.
Comment: Not observed at significant frequency in large population cohorts (gnomAD); In silico analysis suggests that this missense variant does not alter protein structure/function; Has not been previously published as pathogenic or benign to our knowledge

Ambry Genetics
Classification: Uncertain significance for Cardiovascular phenotype. Last evaluated: 2024-10-28. Review status: criteria provided, single submitter. Criteria: Ambry Variant Classification Scheme 2023. Collection method: clinical testing. Allele origin: germline.
Comment: The p.G925V variant (also known as c.2774G>T), located in coding exon 12 of the KCNH2 gene, results from a G to T substitution at nucleotide position 2774. The glycine at codon 925 is replaced by valine, an amino acid with dissimilar properties. This amino acid position is well conserved in available vertebrate species. In addition, this alteration is predicted to be deleterious by in silico analysis. Based on the available evidence, the clinical significance of this variant remains unclear.

All of Us Research Program, National Institutes of Health
Classification: Uncertain significance for Long QT syndrome. Last evaluated: 2023-11-02. Review status: criteria provided, single submitter. Criteria: ACMG Guidelines, 2015. Collection method: clinical testing. Allele origin: germline. Inheritance: Autosomal dominant inheritance. Observed: 2 variant alleles, 2 heterozygotes.
Comment: This missense variant replaces glycine with valine at codon 925 of the KCNH2 protein. Computational prediction is inconclusive regarding the impact of this variant on protein structure and function (internally defined REVEL score threshold 0.5 < inconclusive < 0.7, PMID: 27666373). This variant is found within a highly conserved C-terminus region (a.a. 843-1159). Rare non-truncating variants in this region have been shown to be significantly overrepresented in individuals with long QT syndrome (PMID: 32893267). To our knowledge, functional studies have not been reported for this variant. This variant has not been reported in individuals affected with cardiovascular disorders in the literature. This variant has been identified in 3/128904 chromosomes in the general population by the Genome Aggregation Database (gnomAD). The available evidence is insufficient to determine the role of this variant in disease conclusively. Therefore, this variant is classified as a Variant of Uncertain Significance.

This study involves interpretation of variants in research participants for the purpose of population health screening. Participant phenotype was not available at the time of variant classification. Additional details can be found in publication PMID: 35346344, PMCID: PMC8962531

Color Diagnostics, LLC DBA Color Health
Classification: Uncertain significance for Cardiac arrhythmia. Last evaluated: 2023-10-22. Review status: criteria provided, single submitter. Criteria: ACMG Guidelines, 2015. Collection method: clinical testing. Allele origin: germline.
Comment: This missense variant replaces glycine with valine at codon 925 of the KCNH2 protein. Computational prediction is inconclusive regarding the impact of this variant on protein structure and function (internally defined REVEL score threshold 0.5 < inconclusive < 0.7, PMID: 27666373). This variant is found within a highly conserved C-terminus region (a.a. 843-1159). Rare non-truncating variants in this region have been shown to be significantly overrepresented in individuals with long QT syndrome (PMID: 32893267). To our knowledge, functional studies have not been reported for this variant. This variant has not been reported in individuals affected with cardiovascular disorders in the literature. This variant has been identified in 3/128904 chromosomes in the general population by the Genome Aggregation Database (gnomAD). The available evidence is insufficient to determine the role of this variant in disease conclusively. Therefore, this variant is classified as a Variant of Uncertain Significance.

Blueprint Genetics
Classification: Uncertain significance. Last evaluated: 2023-08-17. Review status: criteria provided, single submitter. Criteria: ACMG Guidelines, 2015. Collection method: clinical testing. Allele origin: germline.

Agnes Ginges Centre for Molecular Cardiology, Centenary Institute
Classification: Uncertain significance for Sudden unexplained death. Last evaluated: 2019-06-26. Review status: criteria provided, single submitter. Criteria: ACMG Guidelines, 2015. Collection method: research. Allele origin: germline. Affected: yes.
Comment: This variant has been identified as part of our research program. Refer to the 'condition' field for the phenotype of the proband(s) identified with this variant. For further information please feel free to contact us.

Literature cited by the submitters: PubMed 15840476 (cited by Ambry Genetics); PubMed 32893267 (cited by All of Us Research Program, National Institutes of Health and Color Diagnostics, LLC DBA Color Health).

NM_000238.4(KCNH2):c.2774G>T (p.Gly925Val)

Gene: KCNH2 (potassium voltage-gated channel subfamily H member 2; minus strand). Cytogenetic location: 7q36.1.
Variant type: single nucleotide variant.
Coding change: c.2774G>T on transcript NM_000238.4 (MANE Select); coding-DNA position 2774, G replaced by T.
Protein change: p.Gly925Val; replaces glycine 925 with valine.
Molecular consequence: missense variant.
Genome position (GRCh38, 1-based): chr7:150,947,797, C>A on the plus strand (G>T on the coding strand, the complement: KCNH2 is on the minus strand). VCF-style: chr7-150947797-C-A. GRCh37 (hg19) VCF-style: chr7-150644885-C-A.
Other names: p.G925V:GGG>GTG; c.1754G>T, p.Gly585Val (NM_172057.3); short protein forms G585V, G925V.
Identifiers: ClinVar variation 200497 (VCV000200497.19), dbSNP rs794728398, ClinGen allele CA007400.